The following is an entry in ClinVar:

ClinVar aggregate classification (germline): Uncertain significance (1 of 4 stars; one submission).

Submission:

GeneDx
Classification: Uncertain significance. Last evaluated: 2023-07-17. Review status: criteria provided, single submitter. Criteria: GeneDx Variant Classification Process June 2021. Collection method: clinical testing. Allele origin: germline. Affected: yes.
Comment: Not observed at significant frequency in large population cohorts (gnomAD); In silico analysis supports that this missense variant does not alter protein structure/function; Has not been previously published as pathogenic or benign to our knowledge

NM_013275.6(ANKRD11):c.4876C>A (p.Pro1626Thr)

Gene: ANKRD11 (ankyrin repeat domain containing 11; minus strand). Cytogenetic location: 16q24.3.
Variant type: single nucleotide variant.
Coding change: c.4876C>A on transcript NM_013275.6 (MANE Select); coding-DNA position 4876, C replaced by A.
Protein change: p.Pro1626Thr; replaces proline 1626 with threonine.
Molecular consequence: missense variant.
Genome position (GRCh38, 1-based): chr16:89,281,666, G>T on the plus strand (C>A on the coding strand, the complement: ANKRD11 is on the minus strand). VCF-style: chr16-89281666-G-T. GRCh37 (hg19) VCF-style: chr16-89348074-G-T.
Other names: c.4876C>A, p.Pro1626Thr (NM_001256182.2, NM_001256183.2); short protein forms P1626T.
Identifiers: ClinVar variation 3360976 (VCV003360976.1).